The following is an entry in ClinVar:

NC_000007.13:g.(117149197_117170952)_(117180401_117182069)del

Gene: CFTR (CF transmembrane conductance regulator; plus strand). Cytogenetic location: 7q31.2.
Variant type: Deletion.
Identifiers: ClinVar variation 2577301 (VCV002577301.1).

ClinVar aggregate classification (germline): Pathogenic (1 of 4 stars; one submission).

Conditions:
Cystic fibrosis (CF). Also called: MUCOVISCIDOSIS. Identifiers: Orphanet 586, MedGen C0010674, MONDO:0009061, OMIM 219700. Disease mechanism: loss of function.

Submission:

Women's Health and Genetics/Laboratory Corporation of America, LabCorp
Classification: Pathogenic for Cystic fibrosis. Last evaluated: 2023-07-20. Review status: criteria provided, single submitter. Criteria: LabCorp Variant Classification Summary - May 2015. Collection method: clinical testing. Allele origin: germline.
Comment: Variant summary: The variant identified by MLPA or other technology involves the deletion of exons 4-8 in the CFTR gene. A presumed nomenclature of c.(273+1_274-1)_(1116+1_1117-1)del has been designated for the purposes of this classification. Although exact breakpoints of this deletion are not known, it is expected to result in a large in-frame deletion of 281 amino acids in the CFTR gene, which is predicted to disrupt the transmembrane domain (IPR011527) of the encoded protein sequence. Additionally, missense and other smaller in-frame deletion variants within this region (e.g., p.Gln359_Thr360delinsLysLys) have been classified as pathogenic by our lab. The variant was absent in 21694 control chromosomes (gnomAD Structural Variants dataset). c.(273+1_274-1)_(1116+1_1117-1)del has been reported in the literature in at least three individuals affected with Cystic Fibrosis (e.g., Schrijver_2016, Kerschner_2019, Terzic_2019). These data indicate that the variant is very likely be associated with disease. To our knowledge, no experimental evidence demonstrating an impact on protein function has been reported. The following publications have been ascertained in the context of this evaluation (PMID: 26708955, 31523618, 30296588). No submitters have cited clinical-significance assessments for this variant to ClinVar after 2014. Based on the evidence outlined above, the variant was classified as pathogenic.

Literature cited by the submitters: PubMed 26708955; PubMed 31523618; PubMed 30296588.